The following is an entry in ClinVar:

NM_024640.4(YRDC):c.570G>T (p.Pro190=)

Gene: YRDC (yrdC N6-threonylcarbamoyltransferase domain containing; minus strand). Cytogenetic location: 1p34.3.
Variant type: single nucleotide variant.
Coding change: c.570G>T on transcript NM_024640.4 (MANE Select); coding-DNA position 570, G replaced by T.
Protein change: p.Pro190=; no amino-acid change (proline 190 retained).
Molecular consequence: synonymous variant.
Genome position (GRCh38, 1-based): chr1:37,806,911, C>A on the plus strand (G>T on the coding strand, the complement: YRDC is on the minus strand). VCF-style: chr1-37806911-C-A. GRCh37 (hg19) VCF-style: chr1-38272583-C-A.
Other names: c.570G>T (NM_024640.3).
Identifiers: ClinVar variation 2079302 (VCV002079302.6), dbSNP rs114963827, ClinGen allele CA774775.

ClinVar aggregate classification (germline): Likely benign. Review status: criteria provided, single submitter (1 of 4 stars). 2 submissions from 2 submitters: Likely benign (1). 1 of the submissions does not count toward it. Last evaluated 2022-04-13.

Conditions:
YRDC-related disorder. Also called: YRDC-related condition.

Allele frequency attached by ClinVar (database versions not stated): 1000 Genomes Project 0.00080; ESP Exome Variant Server 0.00054; 1000 Genomes Project 30x 0.00062; TOPMed 0.00057.
gnomAD v4.1: 140 of 1,614,164 alleles (0.0087%); highest among the groups gnomAD compares: African/African-American, 0.18%; no homozygotes.

Submissions (2):

Labcorp Genetics (formerly Invitae), Labcorp
Classification: Likely benign. Last evaluated: 2022-04-13. Review status: criteria provided, single submitter. Criteria: Invitae Variant Classification Sherloc (09022015). Collection method: clinical testing. Allele origin: germline.

PreventionGenetics, part of Exact Sciences
Classification: Likely benign for YRDC-related condition. Last evaluated: 2024-02-06. Review status: no assertion criteria provided. Collection method: clinical testing. Allele origin: germline. Not counted in ClinVar's aggregate classification.
Comment: This variant is classified as likely benign based on ACMG/AMP sequence variant interpretation guidelines (Richards et al. 2015 PMID: 25741868, with internal and published modifications).